The following is an entry in ClinVar:

NM_139319.3(SLC17A8):c.1746G>C (p.Glu582Asp)

Gene: SLC17A8 (solute carrier family 17 member 8; plus strand). Cytogenetic location: 12q23.1.
Variant type: single nucleotide variant.
Coding change: c.1746G>C on transcript NM_139319.3 (MANE Select); coding-DNA position 1746, G replaced by C.
Protein change: p.Glu582Asp; replaces glutamic acid 582 with aspartic acid.
Molecular consequence: missense variant.
Genome position (GRCh38, 1-based): chr12:100,420,135, G>C. VCF-style: chr12-100420135-G-C. GRCh37 (hg19) VCF-style: chr12-100813913-G-C.
Other names: c.1596G>C, p.Glu532Asp (NM_001145288.2); short protein forms E532D, E582D.
Identifiers: ClinVar variation 3774651 (VCV003774651.1).

ClinVar aggregate classification (germline): Uncertain significance (1 of 4 stars; one submission).

gnomAD v4.1: 2 of 1,613,516 alleles (0.00012%); highest among the groups gnomAD compares: Non-Finnish European, 0.000085%; no homozygotes.

Submission:

GeneDx
Classification: Uncertain significance. Last evaluated: 2024-09-27. Review status: criteria provided, single submitter. Criteria: GeneDx Variant Classification Process June 2021. Collection method: clinical testing. Allele origin: germline. Affected: yes.
Comment: Not observed at significant frequency in large population cohorts (gnomAD); In silico analysis indicates that this missense variant does not alter protein structure/function; Has not been previously published as pathogenic or benign to our knowledge